The following is an entry in ClinVar:

NM_015001.3(SPEN):c.10375G>T (p.Val3459Phe)

Gene: SPEN (spen family transcriptional repressor; plus strand). Cytogenetic location: 1p36.13.
Variant type: single nucleotide variant.
Coding change: c.10375G>T on transcript NM_015001.3 (MANE Select); coding-DNA position 10375, G replaced by T.
Protein change: p.Val3459Phe; replaces valine 3459 with phenylalanine.
Molecular consequence: missense variant.
Genome position (GRCh38, 1-based): chr1:15,937,511, G>T. VCF-style: chr1-15937511-G-T. GRCh37 (hg19) VCF-style: chr1-16264006-G-T.
Other names: short protein forms V3459F.
Identifiers: ClinVar variation 3778411 (VCV003778411.7).

ClinVar aggregate classification (germline): Uncertain significance (1 of 4 stars; one submission).

Submission:

CeGaT Center for Human Genetics Tuebingen
Classification: Uncertain significance. Last evaluated: 2025-03-01. Review status: criteria provided, single submitter. Criteria: CeGaT Center For Human Genetics Tuebingen Variant Classification Criteria Version 2. Collection method: clinical testing. Allele origin: germline. Affected: yes. Observed: 1 variant allele.
Comment: SPEN: PM2, BP4, BP5